The following is an entry in ClinVar:

ClinVar aggregate classification (germline): Benign. Review status: reviewed by expert panel (3 of 4 stars). 9 submissions from 9 submitters: Benign (1). 8 of the submissions do not count toward it. Last evaluated 2021-12-30.

Conditions:
HNF1A-related disorder. Also called: HNF1A-related condition.
Monogenic diabetes. Identifiers: Orphanet 183625, MedGen C3888631, MONDO:0015967.
Maturity-onset diabetes of the young (MODY). Also called: Maturity onset diabetes mellitus in young. Identifiers: Orphanet 552, MedGen C0342276, MONDO:0018911, HP:0004904.

Allele frequency attached by ClinVar (database versions not stated): TOPMed 0.00008; gnomAD 0.00009; ExAC 0.00011; 1000 Genomes Project 30x 0.00016; 1000 Genomes Project 0.00020.

Submissions (9):

ClinGen Monogenic Diabetes Variant Curation Expert Panel
Classification: Benign for Monogenic diabetes. Last evaluated: 2021-12-30. Review status: reviewed by expert panel. Criteria: ClinGen Diabetes ACMG Specifications v1 1. Collection method: curation. Allele origin: germline. Inheritance: Autosomal dominant inheritance.
Comment: The c.225C>T variant in the HNF1 homeobox A gene, HNF1A, is a synonymous (silent) variant at codon 75 (p.(Asp75=)) of NM_000545.8. This variant has a Popmax Filtering allele frequency in gnomAD 2.1.1 of 0.0007829, which is greater than or equal to the MDEP VCEP threshold for BA1 (≥0.0001) (BA1). Additionally, the c.225C>T variant is not predicted by SpliceAI to impact splicing (BP7). In summary, c.225C>T meets the criteria to be classified as benign for HNF1A-MODY. ACMG/AMP criteria applied, as specified by the ClinGen MDEP VCEP (specification version 1.1, approved 6/4/2021): BA1, BP7.

CeGaT Center for Human Genetics Tuebingen
Classification: Likely benign. Last evaluated: 2026-04-01. Review status: criteria provided, single submitter. Criteria: CeGaT Center For Human Genetics Tuebingen Variant Classification Criteria Version 2. Collection method: clinical testing. Allele origin: germline. Affected: yes. Observed: 1 variant allele. Not counted in ClinVar's aggregate classification.
Comment: HNF1A: BP4, BP7

Labcorp Genetics (formerly Invitae), Labcorp
Classification: Likely benign. Last evaluated: 2026-01-26. Review status: criteria provided, single submitter. Criteria: Invitae Variant Classification Sherloc (09022015). Collection method: clinical testing. Allele origin: germline. Not counted in ClinVar's aggregate classification.

Women's Health and Genetics/Laboratory Corporation of America, LabCorp
Classification: Benign. Last evaluated: 2024-06-19. Review status: criteria provided, single submitter. Criteria: LabCorp Variant Classification Summary - May 2015. Collection method: clinical testing. Allele origin: germline. Not counted in ClinVar's aggregate classification.
Comment: Variant summary: HNF1A c.225C>T alters a conserved nucleotide resulting in a synonymous change. Consensus agreement among computation tools predict no significant impact on normal splicing. However, these predictions have yet to be confirmed by functional studies. The variant allele was found at a frequency of 0.00017 in 235122 control chromosomes. The observed variant frequency is approximately 6 fold of the estimated maximal expected allele frequency for a pathogenic variant in HNF1A causing Maturity Onset Diabetes Of The Young 3 phenotype (2.5e-05). To our knowledge, no occurrence of c.225C>T in individuals affected with Maturity Onset Diabetes Of The Young 3 and no experimental evidence demonstrating its impact on protein function have been reported. ClinVar contains an entry for this variant (Variation ID: 134505). Based on the evidence outlined above, the variant was classified as benign.

Blueprint Genetics
Classification: Likely benign. Last evaluated: 2024-03-06. Review status: criteria provided, single submitter. Criteria: ACMG Guidelines, 2015. Collection method: clinical testing. Allele origin: germline. Not counted in ClinVar's aggregate classification.

Ambry Genetics
Classification: Likely benign for Maturity-onset diabetes of the young. Last evaluated: 2018-02-21. Review status: criteria provided, single submitter. Criteria: Ambry Variant Classification Scheme 2023. Collection method: clinical testing. Allele origin: germline. Not counted in ClinVar's aggregate classification.

Clinical Genomics, Uppaluri K&H Personalized Medicine Clinic
Classification: Benign for Maturity-onset diabetes of the young. Review status: criteria provided, single submitter. Criteria: K & H Uppaluri Personalized Medicine Clinic Variant Classification & Assertion Criteria_Updated V.1. Collection method: research. Allele origin: unknown. Inheritance: Autosomal dominant inheritance. Not counted in ClinVar's aggregate classification.
Comment: Mutations in HNF1A gene can predispose to MODY3. It is associated with both micro and macrovascular complications of diabetes, especially cardiovascular complications. Associated with glucosuria. May respond well to sulfonylureas. However, more evidence is required to confer the association of this particular variant rs202180554 with MODY3.

PreventionGenetics, part of Exact Sciences
Classification: Likely benign for HNF1A-related condition. Last evaluated: 2023-12-14. Review status: no assertion criteria provided. Collection method: clinical testing. Allele origin: germline. Not counted in ClinVar's aggregate classification.
Comment: This variant is classified as likely benign based on ACMG/AMP sequence variant interpretation guidelines (Richards et al. 2015 PMID: 25741868, with internal and published modifications).

ITMI
No classification provided. Condition: AllHighlyPenetrant. Last evaluated: 2013-09-19. Review status: no classification provided. Collection method: reference population. Allele origin: germline. Not counted in ClinVar's aggregate classification.
Comment: Please see associated publication for description of ethnicities

Literature cited by the submitters: PubMed 31517624 (cited by Clinical Genomics, Uppaluri K&H Personalized Medicine Clinic); PubMed 32395877 (cited by Clinical Genomics, Uppaluri K&H Personalized Medicine Clinic); PubMed 35328643 (cited by Clinical Genomics, Uppaluri K&H Personalized Medicine Clinic); PubMed 24728327 (cited by ITMI).

NM_000545.8(HNF1A):c.225C>T (p.Asp75=)

Gene: HNF1A (HNF1 homeobox A; plus strand). Cytogenetic location: 12q24.31.
Variant type: single nucleotide variant.
Coding change: c.225C>T on transcript NM_000545.8 (MANE Select); coding-DNA position 225, C replaced by T.
Protein change: p.Asp75=; no amino-acid change (aspartic acid 75 retained).
Molecular consequence: synonymous variant.
Genome position (GRCh38, 1-based): chr12:120,978,993, C>T. VCF-style: chr12-120978993-C-T. GRCh37 (hg19) VCF-style: chr12-121416796-C-T.
Other names: NM_000545.6(HNF1A):c.225C>T; p.Asp75=; c.225C>T (NM_000545.6); c.225C>T, p.Asp75= (NM_001306179.2).
Identifiers: ClinVar variation 134505 (VCV000134505.22), dbSNP rs202180554, ClinGen allele CA160001.